The following is an entry in ClinVar:

NM_000208.4(INSR):c.1550A>G (p.Glu517Gly)

Gene: INSR (insulin receptor; minus strand). Cytogenetic location: 19p13.2.
Variant type: single nucleotide variant.
Coding change: c.1550A>G on transcript NM_000208.4 (MANE Select); coding-DNA position 1550, A replaced by G.
Protein change: p.Glu517Gly; replaces glutamic acid 517 with glycine.
Molecular consequence: missense variant.
Genome position (GRCh38, 1-based): chr19:7,168,028, T>C on the plus strand (A>G on the coding strand, the complement: INSR is on the minus strand). VCF-style: chr19-7168028-T-C. GRCh37 (hg19) VCF-style: chr19-7168039-T-C.
Other names: c.1550A>G, p.Glu517Gly (NM_001079817.3); short protein forms E517G.
Identifiers: ClinVar variation 1049578 (VCV001049578.12), dbSNP rs147671523, ClinGen allele CA9135810.
Genomic context (GRCh38, chr19:7,168,028, plus strand): 5'-GCCTCTTTGTAGAACAGCATGAACCCCAAGAGGTCTCGGAAGTCGGGGGGCCAGTACGGC[T>C]CCCATCTCAGCAAGATCTTGTCAAAAGATGTCCGAATGTAAGAAAATTTAAGTAACTCAT-3'
Protein context (NP_000199.2, residues 507-527): TSFDKILLRW[Glu517Gly]PYWPPDFRDL

ClinVar aggregate classification (germline): Conflicting classifications of pathogenicity. Review status: criteria provided, conflicting classifications (1 of 4 stars). 5 submissions from 5 submitters: Uncertain significance (2); Benign (1). 2 of the submissions do not count toward it. Last evaluated 2026-01-19.

Conditions:
Hyperinsulinism due to INSR deficiency. Also called: Hyperinsulinism due to glutamodehydrogenase deficiency. Identifiers: Orphanet 263458, MedGen C1864952, MONDO:0012381, OMIM 609968.
Leprechaunism syndrome. Also called: LEPRECHAUNISM; Donohue syndrome. Identifiers: Orphanet 508, MedGen C0265344, MONDO:0009517, OMIM 246200.
Rabson-Mendenhall syndrome. Also called: MENDENHALL SYNDROME; Pineal Hyperplasia, Insulin-Resistant Diabetes Mellitus, and Somatic Abnormalities; Pineal hyperplasia AND diabetes mellitus syndrome. Identifiers: Orphanet 769, MedGen C0271695, MONDO:0009874, OMIM 262190.
Insulin-resistant diabetes mellitus AND acanthosis nigricans. Also called: DIABETES MELLITUS, INSULIN-RESISTANT, WITH ACANTHOSIS NIGRICANS, TYPE A; INSULIN RECEPTOR, DEFECT IN, WITH INSULIN-RESISTANT DIABETES MELLITUS AND ACANTHOSIS NIGRICANS; IRAN, TYPE A; Insulin-resistance syndrome type A; type A insulin resistance. Identifiers: Orphanet 2297, MedGen C0342278, MONDO:0012520, OMIM 610549.
INSR-related disorder.

Allele frequency attached by ClinVar (database versions not stated): gnomAD exomes 0.00004 and 0.00012; ExAC 0.00012; ESP Exome Variant Server 0.00038; 1000 Genomes Project 30x 0.00047; gnomAD 0.00051 and 0.00058; TOPMed 0.00056; 1000 Genomes Project 0.00060.
gnomAD v4.1: 131 of 1,613,824 alleles (0.0081%); highest among the groups gnomAD compares: African/African-American, 0.16%; no homozygotes.

Submissions (5):

Labcorp Genetics (formerly Invitae), Labcorp
Classification: Benign. Last evaluated: 2026-01-19. Review status: criteria provided, single submitter. Criteria: Invitae Variant Classification Sherloc (09022015). Collection method: clinical testing. Allele origin: germline.

Fulgent Genetics
Classification: Uncertain significance for Leprechaunism syndrome; Rabson-Mendenhall syndrome; Hyperinsulinism due to INSR deficiency; Insulin-resistant diabetes mellitus AND acanthosis nigricans. Last evaluated: 2022-04-05. Review status: criteria provided, single submitter. Criteria: ACMG Guidelines, 2015. Collection method: clinical testing. Allele origin: unknown.

Genetic Services Laboratory, University of Chicago
Classification: Uncertain significance. Last evaluated: 2019-04-05. Review status: criteria provided, single submitter. Criteria: ACMG Guidelines, 2015. Collection method: clinical testing. Allele origin: germline. Affected: no.

PreventionGenetics, part of Exact Sciences
Classification: Likely benign for INSR-related condition. Last evaluated: 2023-04-04. Review status: no assertion criteria provided. Collection method: clinical testing. Allele origin: germline. Not counted in ClinVar's aggregate classification.
Comment: This variant is classified as likely benign based on ACMG/AMP sequence variant interpretation guidelines (Richards et al. 2015 PMID: 25741868, with internal and published modifications).

Department of Pathology and Laboratory Medicine, Sinai Health System
Classification: Uncertain significance. Review status: no assertion criteria provided. Collection method: clinical testing. Allele origin: unknown. Affected: yes. Study: The Canadian Open Genetics Repository (COGR). Not counted in ClinVar's aggregate classification.
Comment: The INSR p.Glu517Gly variant was not identified in the literature nor was it identified in ClinVar, Cosmic, or LOVD 3.0. The variant was identified in dbSNP (ID: rs147671523) and in control databases in 45 of 282816 chromosomes at a frequency of 0.000159 (Genome Aggregation Database Feb 27, 2017). The variant was observed in the following populations: African in 38 of 24942 chromosomes (freq: 0.001524), Latino in 6 of 35438 chromosomes (freq: 0.000169) and South Asian in 1 of 30616 chromosomes (freq: 0.000033); it was not observed in the Ashkenazi Jewish, East Asian, European (Finnish), European (non-Finnish), and Other populations. The p.Glu517 residue is not conserved in mammals and computational analyses (PolyPhen-2, SIFT, AlignGVGD, BLOSUM, MutationTaster) provide inconsistent predictions regarding the impact to the protein; this information is not very predictive of pathogenicity. The variant occurs outside of the splicing consensus sequence and in silico or computational prediction software programs (SpliceSiteFinder, MaxEntScan, NNSPLICE, GeneSplicer) do not predict a difference in splicing. In summary, based on the above information the clinical significance of this variant cannot be determined with certainty at this time. This variant is classified as a variant of uncertain significance.